The following is an entry in ClinVar:

NC_000005.9:g.(?_1253843)_(1297488_?)dup

Gene: TERT (telomerase reverse transcriptase; minus strand). Cytogenetic location: 5p15.33.
Variant type: Duplication.
Identifiers: ClinVar variation 1000793 (VCV001000793.1).

ClinVar aggregate classification (germline): Uncertain significance (1 of 4 stars; one submission).

Conditions:
Dyskeratosis congenita, autosomal dominant 2. Identifiers: MedGen C3151443, MONDO:0013521, OMIM 613989.
Interstitial lung disease 2 (ILD2). Also called: FIBROCYSTIC PULMONARY DYSPLASIA; FIBROSING ALVEOLITIS, CRYPTOGENIC; Familial idiopathic pulmonary fibrosis. Identifiers: Orphanet 2032, Orphanet 79126, MedGen C5561926, MONDO:0800497, OMIM 178500, MONDO:0800029.

Submission:

Labcorp Genetics (formerly Invitae), Labcorp
Classification: Uncertain significance for Dyskeratosis congenita, autosomal dominant 2; Idiopathic Pulmonary Fibrosis. Last evaluated: 2020-10-26. Review status: criteria provided, single submitter. Criteria: Invitae Variant Classification Sherloc (09022015). Collection method: clinical testing. Allele origin: germline.
Comment: This variant results in a copy number gain of the genomic region encompassing the full coding sequence of the TERT gene. The boundaries of this event are unknown as they extend beyond the assayed region for this gene and therefore may encompass additional genes. As the precise location of this event is unknown, it may be in tandem or it may be located elsewhere in the genome. This variant has not been reported in the literature in individuals with TERT-related conditions. ClinVar contains an entry for this variant (Variation ID: 584278). In summary, the available evidence is currently insufficient to determine the role of this variant in disease. Therefore, it has been classified as a Variant of Uncertain Significance.